The following is an entry in ClinVar:

ClinVar aggregate classification (germline): Benign. Review status: criteria provided, multiple submitters, no conflicts (2 of 4 stars). 3 submissions from 3 submitters: Benign (3). Last evaluated 2018-06-14.

Conditions:
Mitochondrial DNA depletion syndrome, encephalomyopathic form with methylmalonic aciduria (MTDPS5). Also called: Mitochondrial encephalomyopathy aminoacidopathy; MITOCHONDRIAL DNA DEPLETION SYNDROME, ENCEPHALOMYOPATHIC FORM, WITH OR WITHOUT METHYLMALONIC ACIDURIA, AUTOSOMAL RECESSIVE, SUCLA2-RELATED; Mitochondrial DNA depletion syndrome 5 (encephalomyopathic with or without methylmalonic aciduria); SUCLA2-Related Mitochondrial DNA Depletion Syndrome, Encephalomyopathic Form with Methylmalonic Aciduria. Identifiers: Orphanet 1933, MedGen C5980207, MONDO:0012791, OMIM 612073.

Allele frequency attached by ClinVar (database versions not stated): gnomAD exomes 0.93039; gnomAD 0.93531 and 0.93675; TOPMed 0.93925; 1000 Genomes Project 0.94189; 1000 Genomes Project 30x 0.94191.
gnomAD v4.1: 477,062 of 511,802 alleles (93%); highest among the groups gnomAD compares: East Asian, 100%; 222,596 homozygotes.

Submissions (3):

GeneDx
Classification: Benign. Last evaluated: 2018-06-14. Review status: criteria provided, single submitter. Criteria: GeneDx Variant Classification Process June 2021. Collection method: clinical testing. Allele origin: germline. Affected: yes.

Illumina Laboratory Services, Illumina
Classification: Benign for Mitochondrial DNA depletion syndrome, encephalomyopathic form with methylmalonic aciduria. Last evaluated: 2018-01-13. Review status: criteria provided, single submitter. Criteria: ICSL Variant Classification Criteria 13 December 2019. Collection method: clinical testing. Allele origin: germline.
Comment: This variant was observed in the ICSL laboratory as part of a predisposition screen in an ostensibly healthy population. It had not been previously curated by ICSL or reported in the Human Gene Mutation Database (HGMD: prior to June 1st, 2018), and was therefore a candidate for classification through an automated scoring system. Utilizing variant allele frequency, disease prevalence and penetrance estimates, and inheritance mode, an automated score was calculated to assess if this variant is too frequent to cause the disease. Based on the score and internal cut-off values, a variant classified as benign is not then subjected to further curation. The score for this variant resulted in a classification of benign for this disease.

Breakthrough Genomics
Classification: Benign. Review status: criteria provided, single submitter. Criteria: ACMG Guidelines, 2015. Collection method: not provided. Allele origin: germline. Inheritance: Autosomal recessive inheritance. Affected: yes.

NM_003850.3(SUCLA2):c.*217T>C

Gene: SUCLA2 (succinate-CoA ligase ADP-forming subunit beta; minus strand). Cytogenetic location: 13q14.2.
Variant type: single nucleotide variant.
Coding change: c.*217T>C on transcript NM_003850.3 (MANE Select); 217 bases downstream of the stop codon, T replaced by C.
Molecular consequence: 3 prime UTR variant.
Genome position (GRCh38, 1-based): chr13:47,943,154, A>G on the plus strand (T>C on the coding strand, the complement: SUCLA2 is on the minus strand). VCF-style: chr13-47943154-A-G. GRCh37 (hg19) VCF-style: chr13-48517289-A-G.
Identifiers: ClinVar variation 312262 (VCV000312262.9), dbSNP rs4941618, ClinGen allele CA10634438.